The following is an entry in ClinVar:

NM_002878.4(RAD51D):c.345+7G>T

Genes: RAD51D (RAD51 paralog D; minus strand), RAD51L3-RFFL (RAD51L3-RFFL readthrough; minus strand). Cytogenetic location: 17q12.
Variant type: single nucleotide variant.
Coding change: c.345+7G>T on transcript NM_002878.4 (MANE Select); 7 bases into the intron after coding-DNA position 345, G replaced by T.
Molecular consequence: intron variant.
Genome position (GRCh38, 1-based): chr17:35,107,359, C>A on the plus strand (G>T on the coding strand, the complement: RAD51D is on the minus strand). VCF-style: chr17-35107359-C-A. GRCh37 (hg19) VCF-style: chr17-33434378-C-A.
Other names: c.145-878G>T (NM_133629.3); c.405+7G>T (NM_001142571.2).
Identifiers: ClinVar variation 927960 (VCV000927960.10), dbSNP rs1187944465, ClinGen allele CA913188820.

ClinVar aggregate classification (germline): Likely benign. Review status: criteria provided, multiple submitters, no conflicts (2 of 4 stars). 3 submissions from 3 submitters: Likely benign (3). Last evaluated 2025-02-21.

Conditions:
Hereditary cancer-predisposing syndrome. Also called: Neoplastic Syndromes, Hereditary; Hereditary Cancer Syndrome; Tumor predisposition; Hereditary neoplastic syndrome. Identifiers: Orphanet 140162, MedGen C0027672, MeSH D009386, MONDO:0015356.
Breast-ovarian cancer, familial, susceptibility to, 4. Identifiers: Orphanet 145, MedGen C3280345, MONDO:0013669, OMIM 614291.

gnomAD v4.1: 3 of 1,541,148 alleles (0.00019%); no homozygotes.

Submissions (3):

Myriad Genetics, Inc.
Classification: Likely benign for Breast-ovarian cancer, familial, susceptibility to, 4. Last evaluated: 2025-02-21. Review status: criteria provided, single submitter. Criteria: Myriad Autosomal Dominant, Autosomal Recessive and X-Linked Classification Criteria (2023). Collection method: clinical testing. Allele origin: unknown.
Comment: This variant is considered likely benign. This variant is intronic and is not expected to impact mRNA splicing.

Labcorp Genetics (formerly Invitae), Labcorp
Classification: Likely benign for Breast-ovarian cancer, familial, susceptibility to, 4. Last evaluated: 2023-11-21. Review status: criteria provided, single submitter. Criteria: Invitae Variant Classification Sherloc (09022015). Collection method: clinical testing. Allele origin: germline.

Color Diagnostics, LLC DBA Color Health
Classification: Likely benign for Hereditary cancer-predisposing syndrome. Last evaluated: 2017-11-02. Review status: criteria provided, single submitter. Criteria: ACMG Guidelines, 2015. Collection method: clinical testing. Allele origin: germline.